The following is an entry in ClinVar:

NM_152703.5(SAMD9L):c.452A>T (p.Lys151Met)

Gene: SAMD9L (sterile alpha motif domain containing 9 like; minus strand). Cytogenetic location: 7q21.2.
Variant type: single nucleotide variant.
Coding change: c.452A>T on transcript NM_152703.5 (MANE Select); coding-DNA position 452, A replaced by T.
Protein change: p.Lys151Met; replaces lysine 151 with methionine.
Molecular consequence: missense variant.
Genome position (GRCh38, 1-based): chr7:93,135,520, T>A on the plus strand (A>T on the coding strand, the complement: SAMD9L is on the minus strand). VCF-style: chr7-93135520-T-A. GRCh37 (hg19) VCF-style: chr7-92764833-T-A.
Other names: c.452A>T, p.Lys151Met (NM_001303496.3, NM_001303497.3, NM_001303498.3 and 5 more transcripts); short protein forms K151M.
Identifiers: ClinVar variation 3792494 (VCV003792494.1).

ClinVar aggregate classification (germline): Uncertain significance (1 of 4 stars; one submission).

Conditions:
Inborn genetic diseases. Identifiers: MedGen C0950123, MeSH D030342.

Submission:

Ambry Genetics
Classification: Uncertain significance for Inborn genetic diseases. Last evaluated: 2025-03-05. Review status: criteria provided, single submitter. Criteria: Ambry Variant Classification Scheme 2023. Collection method: clinical testing. Allele origin: germline.
Comment: The p.K151M variant (also known as c.452A>T), located in coding exon 1 of the SAMD9L gene, results from an A to T substitution at nucleotide position 452. The lysine at codon 151 is replaced by methionine, an amino acid with similar properties. This amino acid position is conserved. In addition, this alteration is predicted to be tolerated by in silico analysis. Based on the available evidence, the clinical significance of this variant remains unclear.